The following is an entry in ClinVar:

NM_005655.4(KLF10):c.997G>A (p.Val333Met)

Gene: KLF10 (KLF transcription factor 10; minus strand). Cytogenetic location: 8q22.3.
Variant type: single nucleotide variant.
Coding change: c.997G>A on transcript NM_005655.4 (MANE Select); coding-DNA position 997, G replaced by A.
Protein change: p.Val333Met; replaces valine 333 with methionine.
Molecular consequence: missense variant.
Genome position (GRCh38, 1-based): chr8:102,651,335, C>T on the plus strand (G>A on the coding strand, the complement: KLF10 is on the minus strand). VCF-style: chr8-102651335-C-T. GRCh37 (hg19) VCF-style: chr8-103663563-C-T.
Other names: c.964G>A, p.Val322Met (NM_001032282.4); short protein forms V322M, V333M.
Identifiers: ClinVar variation 3667999 (VCV003667999.2).

ClinVar aggregate classification (germline): Uncertain significance (1 of 4 stars; one submission).

Submission:

Labcorp Genetics (formerly Invitae), Labcorp
Classification: Uncertain significance. Last evaluated: 2024-07-30. Review status: criteria provided, single submitter. Criteria: Invitae Variant Classification Sherloc (09022015). Collection method: clinical testing. Allele origin: germline.
Comment: This sequence change replaces valine, which is neutral and non-polar, with methionine, which is neutral and non-polar, at codon 333 of the KLF10 protein (p.Val333Met). This variant is not present in population databases (gnomAD no frequency). This variant has not been reported in the literature in individuals affected with KLF10-related conditions. An algorithm developed to predict the effect of missense changes on protein structure and function (PolyPhen-2) suggests that this variant is likely to be tolerated. In summary, the available evidence is currently insufficient to determine the role of this variant in disease. Therefore, it has been classified as a Variant of Uncertain Significance.